The following is an entry in ClinVar:

ClinVar aggregate classification (germline): Uncertain significance. Review status: criteria provided, multiple submitters, no conflicts (2 of 4 stars). 2 submissions from 2 submitters: Uncertain significance (2). Last evaluated 2025-05-04.

Conditions:
Inborn genetic diseases. Identifiers: MedGen C0950123, MeSH D030342.

Allele frequency attached by ClinVar (database versions not stated): gnomAD 0.00002; gnomAD exomes below 0.00001; TOPMed below 0.00001.
gnomAD v4.1: 6 of 1,608,792 alleles (0.00037%); highest among the groups gnomAD compares: Non-Finnish European, 0.00051%; no homozygotes.

Submissions (2):

Ambry Genetics
Classification: Uncertain significance for Inborn genetic diseases. Last evaluated: 2025-05-04. Review status: criteria provided, single submitter. Criteria: Ambry Variant Classification Scheme 2023. Collection method: clinical testing. Allele origin: germline.

Labcorp Genetics (formerly Invitae), Labcorp
Classification: Uncertain significance. Last evaluated: 2022-03-04. Review status: criteria provided, single submitter. Criteria: Invitae Variant Classification Sherloc (09022015). Collection method: clinical testing. Allele origin: germline.
Comment: This variant is not present in population databases (gnomAD no frequency). In summary, the available evidence is currently insufficient to determine the role of this variant in disease. Therefore, it has been classified as a Variant of Uncertain Significance. Algorithms developed to predict the effect of missense changes on protein structure and function (SIFT, PolyPhen-2, Align-GVGD) all suggest that this variant is likely to be tolerated. This variant has not been reported in the literature in individuals affected with SLC18A3-related conditions. This sequence change replaces alanine, which is neutral and non-polar, with glutamic acid, which is acidic and polar, at codon 321 of the SLC18A3 protein (p.Ala321Glu).

NM_003055.3(SLC18A3):c.962C>A (p.Ala321Glu)

Genes: CHAT (choline O-acetyltransferase; plus strand), SLC18A3 (solute carrier family 18 member A3; plus strand). Cytogenetic location: 10q11.23.
Variant type: single nucleotide variant.
Coding change: c.962C>A on transcript NM_003055.3 (MANE Select); coding-DNA position 962, C replaced by A.
Protein change: p.Ala321Glu; replaces alanine 321 with glutamic acid.
Molecular consequence: missense variant. On other transcripts: intron variant (1).
Genome position (GRCh38, 1-based): chr10:49,611,702, C>A. VCF-style: chr10-49611702-C-A. GRCh37 (hg19) VCF-style: chr10-50819748-C-A.
Other names: c.-69+2503C>A (NM_020984.4); short protein forms A321E.
Identifiers: ClinVar variation 1936554 (VCV001936554.5), dbSNP rs1431970805, ClinGen allele CA376721459.